The following is an entry in ClinVar:

ClinVar aggregate classification (germline): Likely benign. Review status: criteria provided, multiple submitters, no conflicts (2 of 4 stars). 2 submissions from 2 submitters: Likely benign (2). Last evaluated 2023-11-14.

Conditions:
Cardiovascular phenotype. Identifiers: MedGen CN230736.

Allele frequency attached by ClinVar (database versions not stated): gnomAD exomes below 0.00001; TOPMed below 0.00001; gnomAD 0.00001; 1000 Genomes Project 30x 0.00016; 1000 Genomes Project 0.00020.
gnomAD v4.1: 6 of 1,588,754 alleles (0.00038%); highest among the groups gnomAD compares: Admixed American, 0.0054%; no homozygotes.

Submissions (2):

Ambry Genetics
Classification: Likely benign for Cardiovascular phenotype. Last evaluated: 2023-11-14. Review status: criteria provided, single submitter. Criteria: Ambry Variant Classification Scheme 2023. Collection method: clinical testing. Allele origin: germline.

Laboratory for Molecular Medicine, Mass General Brigham Personalized Medicine
Classification: Likely benign. Last evaluated: 2015-12-22. Review status: criteria provided, single submitter. Criteria: LMM Criteria. Collection method: clinical testing. Allele origin: germline. Observed: 2 variant alleles.
Comment: p.His188His in exon 5 of MAP2K2: This variant is not expected to have clinical significance because it does not alter an amino acid residue and is not located within the splice consensus sequence. It has been identified in 1/2196 Latino ch romosomes by the Exome Aggregation Consortium (ExAC. org/; dbSNP rs546749336).

NM_030662.4(MAP2K2):c.564C>T (p.His188=)

Gene: MAP2K2 (mitogen-activated protein kinase kinase 2; minus strand). Cytogenetic location: 19p13.3.
Variant type: single nucleotide variant.
Coding change: c.564C>T on transcript NM_030662.4 (MANE Select); coding-DNA position 564, C replaced by T.
Protein change: p.His188=; no amino-acid change (histidine 188 retained).
Molecular consequence: synonymous variant.
Genome position (GRCh38, 1-based): chr19:4,101,245, G>A on the plus strand (C>T on the coding strand, the complement: MAP2K2 is on the minus strand). VCF-style: chr19-4101245-G-A. GRCh37 (hg19) VCF-style: chr19-4101243-G-A.
Identifiers: ClinVar variation 163958 (VCV000163958.5), dbSNP rs546749336, ClinGen allele CA176703.